The following is an entry in ClinVar:

ClinVar aggregate classification (germline): Pathogenic. Review status: criteria provided, multiple submitters, no conflicts (2 of 4 stars). 2 submissions from 2 submitters: Pathogenic (2). Last evaluated 2025-01-15.

Conditions:
Hereditary cancer-predisposing syndrome. Also called: Neoplastic Syndromes, Hereditary; Hereditary Cancer Syndrome; Hereditary neoplastic syndrome; Tumor predisposition. Identifiers: Orphanet 140162, MedGen C0027672, MeSH D009386, MONDO:0015356.
Multiple endocrine neoplasia, type 1 (MEN1). Also called: MEN I; WERMER SYNDROME; Endocrine adenomatosis multiple; MEN 1; MEA I. Identifiers: Orphanet 652, MedGen C0025267, MeSH D018761, MONDO:0007540, OMIM 131100.

Submissions (2):

Ambry Genetics
Classification: Pathogenic for Hereditary cancer-predisposing syndrome. Last evaluated: 2025-01-15. Review status: criteria provided, single submitter. Criteria: Ambry Variant Classification Scheme 2023. Collection method: clinical testing. Allele origin: germline.
Comment: The c.367dupG pathogenic mutation, located in coding exon 1 of the MEN1 gene, results from a duplication of G at nucleotide position 367, causing a translational frameshift with a predicted alternate stop codon (p.D123Gfs*57). This variant was reported in individual(s) with features consistent with multiple endocrine neoplasia type 1 (Ambry internal data). This variant is considered to be rare based on population cohorts in the Genome Aggregation Database (gnomAD). This alteration is expected to result in loss of function by premature protein truncation or nonsense-mediated mRNA decay. As such, this alteration is interpreted as a disease-causing mutation.

Labcorp Genetics (formerly Invitae), Labcorp
Classification: Pathogenic for Multiple endocrine neoplasia, type 1. Last evaluated: 2024-10-01. Review status: criteria provided, single submitter. Criteria: Invitae Variant Classification Sherloc (09022015). Collection method: clinical testing. Allele origin: germline.
Comment: This sequence change creates a premature translational stop signal (p.Asp123Glyfs*57) in the MEN1 gene. It is expected to result in an absent or disrupted protein product. Loss-of-function variants in MEN1 are known to be pathogenic (PMID: 12112656, 17853334). This variant is not present in population databases (gnomAD no frequency). This variant has not been reported in the literature in individuals affected with MEN1-related conditions. For these reasons, this variant has been classified as Pathogenic.

Literature cited by the submitters: PubMed 12112656 (cited by Labcorp Genetics (formerly Invitae), Labcorp); PubMed 17853334 (cited by Labcorp Genetics (formerly Invitae), Labcorp).

NM_001370259.2(MEN1):c.367dup (p.Asp123fs)

Gene: MEN1 (menin 1; minus strand). Cytogenetic location: 11q13.1.
Variant type: Duplication.
Coding change: c.367dup on transcript NM_001370259.2 (MANE Select); coding-DNA position 367, one base duplicated (G; older notation c.367dupG).
Protein change: p.Asp123fs; shifts the reading frame from aspartic acid 123.
Molecular consequence: frameshift variant. On other transcripts: non-coding transcript variant (4).
Genome position (GRCh38, 1-based): chr11:64,809,743, C duplicated on the plus strand (G on the coding strand, the reverse complement: MEN1 is on the minus strand). VCF-style (leftmost placement, unchanged base first): chr11-64809742-T-TC. GRCh37 (hg19) VCF-style: chr11-64577214-T-TC.
Other names: c.367dup, p.Asp123fs (NM_001407142.1, NM_001407143.1, NM_001407144.1 and 20 more transcripts); c.367dupG (NM_130799.2); short protein forms D123fs.
Identifiers: ClinVar variation 3721985 (VCV003721985.3).
Genomic context (GRCh38, chr11:64,809,742, plus strand): 5'-AGGGACTGGATGTGGGCCCGATCCTTGAAGTAGGAGCGGCTGAGGCTGTTCCATATGACA[T>TC]CGGAGACCTTCTTCACCAGCTCACGGCTGGAGACACCCCCTTCTCGAGGATAGAGGGACA-3'